The following is an entry in ClinVar:

NM_005732.4(RAD50):c.3886T>A (p.Cys1296Ser)

Genes: TH2LCRR (T helper type 2 locus control region associated RNA; minus strand), RAD50 (RAD50 double strand break repair protein; plus strand). Cytogenetic location: 5q31.1.
Variant type: single nucleotide variant.
Coding change: c.3886T>A on transcript NM_005732.4 (MANE Select); coding-DNA position 3886, T replaced by A.
Protein change: p.Cys1296Ser; replaces cysteine 1296 with serine.
Molecular consequence: missense variant.
Genome position (GRCh38, 1-based): chr5:132,642,311, T>A. VCF-style: chr5-132642311-T-A. GRCh37 (hg19) VCF-style: chr5-131978003-T-A.
Other names: short protein forms C1296S.
Identifiers: ClinVar variation 567665 (VCV000567665.13), dbSNP rs1223441991, ClinGen allele CA360937234.
Genomic context (GRCh38, chr5:132,642,311, plus strand): 5'-CTTTTAGGACGTTCTGAATATGTGGAGAAATTCTACAGGATTAAAAAGAACATCGATCAG[T>A]GCTCAGAGATTGTGAAATGCAGTGTTAGCTCCCTGGGATTCAATGTTCATTAAAAATATC-3'
Protein context (NP_005723.2, residues 1286-1306): FYRIKKNIDQ[Cys1296Ser]SEIVKCSVSS

ClinVar aggregate classification (germline): Uncertain significance. Review status: criteria provided, multiple submitters, no conflicts (2 of 4 stars). 3 submissions from 3 submitters: Uncertain significance (3). Last evaluated 2024-05-14.

Conditions:
Hereditary cancer-predisposing syndrome. Also called: Neoplastic Syndromes, Hereditary; Tumor predisposition; Hereditary neoplastic syndrome; Hereditary Cancer Syndrome. Identifiers: Orphanet 140162, MedGen C0027672, MeSH D009386, MONDO:0015356.
Nijmegen breakage syndrome-like disorder (NBSLD). Also called: MICROCEPHALY AND SPONTANEOUS CHROMOSOME INSTABILITY WITHOUT IMMUNODEFICIENCY; NBS-LIKE DISORDER; RAD50 DEFICIENCY. Identifiers: Orphanet 240760, MedGen C2751318, MONDO:0013118, OMIM 613078.

Allele frequency attached by ClinVar (database versions not stated): gnomAD exomes below 0.00001 and 0.00001.
gnomAD v4.1: 3 of 1,614,088 alleles (0.00019%); highest among the groups gnomAD compares: Admixed American, 0.005%; no homozygotes.

Submissions (3):

Ambry Genetics
Classification: Uncertain significance for Hereditary cancer-predisposing syndrome. Last evaluated: 2024-05-14. Review status: criteria provided, single submitter. Criteria: Ambry Variant Classification Scheme 2023. Collection method: clinical testing. Allele origin: germline.
Comment: The p.C1296S variant (also known as c.3886T>A), located in coding exon 25 of the RAD50 gene, results from a T to A substitution at nucleotide position 3886. The cysteine at codon 1296 is replaced by serine, an amino acid with dissimilar properties. This amino acid position is conserved. In addition, the in silico prediction for this alteration is inconclusive. Based on the available evidence, the clinical significance of this variant remains unclear.

Labcorp Genetics (formerly Invitae), Labcorp
Classification: Uncertain significance for Hereditary cancer-predisposing syndrome. Last evaluated: 2023-12-18. Review status: criteria provided, single submitter. Criteria: Invitae Variant Classification Sherloc (09022015). Collection method: clinical testing. Allele origin: germline.
Comment: This sequence change replaces cysteine, which is neutral and slightly polar, with serine, which is neutral and polar, at codon 1296 of the RAD50 protein (p.Cys1296Ser). This variant is present in population databases (no rsID available, gnomAD 0.003%). This variant has not been reported in the literature in individuals affected with RAD50-related conditions. ClinVar contains an entry for this variant (Variation ID: 567665). Advanced modeling of protein sequence and biophysical properties (such as structural, functional, and spatial information, amino acid conservation, physicochemical variation, residue mobility, and thermodynamic stability) performed at Invitae indicates that this missense variant is expected to disrupt RAD50 protein function with a positive predictive value of 80%. In summary, the available evidence is currently insufficient to determine the role of this variant in disease. Therefore, it has been classified as a Variant of Uncertain Significance.

Baylor Genetics
Classification: Uncertain significance for Nijmegen breakage syndrome-like disorder. Last evaluated: 2023-07-04. Review status: criteria provided, single submitter. Criteria: ACMG Guidelines, 2015. Collection method: clinical testing. Allele origin: unknown.